The following is an entry in ClinVar:

ClinVar aggregate classification (germline): Uncertain significance (1 of 4 stars; one submission).

Conditions:
Joubert syndrome. Also called: CEREBELLOPARENCHYMAL DISORDER IV; JOUBERT-BOLTSHAUSER SYNDROME; Familial aplasia of the vermis. Identifiers: Orphanet 475, MedGen C5979921, MONDO:0018772.
Meckel-Gruber syndrome. Also called: DYSENCEPHALIA SPLANCHNOCYSTICA; GRUBER SYNDROME; Dysencephalia splachnocystica. Identifiers: Orphanet 564, MedGen C0265215, MONDO:0018921.

Allele frequency attached by ClinVar (database versions not stated): TOPMed below 0.00001; gnomAD exomes 0.00006.

Submission:

Labcorp Genetics (formerly Invitae), Labcorp
Classification: Uncertain significance for Joubert syndrome; Meckel-Gruber syndrome. Last evaluated: 2022-12-20. Review status: criteria provided, single submitter. Criteria: Invitae Variant Classification Sherloc (09022015). Collection method: clinical testing. Allele origin: germline.
Comment: This sequence change falls in intron 22 of the RPGRIP1L gene. It does not directly change the encoded amino acid sequence of the RPGRIP1L protein. The frequency data for this variant in the population databases is considered unreliable, as metrics indicate poor data quality at this position in the gnomAD database. This variant has not been reported in the literature in individuals affected with RPGRIP1L-related conditions. Algorithms developed to predict the effect of sequence changes on RNA splicing suggest that this variant may disrupt the consensus splice site. In summary, the available evidence is currently insufficient to determine the role of this variant in disease. Therefore, it has been classified as a Variant of Uncertain Significance.

NM_015272.5(RPGRIP1L):c.3295-7del

Gene: RPGRIP1L (RPGRIP1 like; minus strand). Cytogenetic location: 16q12.2.
Variant type: Deletion.
Coding change: c.3295-7del on transcript NM_015272.5 (MANE Select); 7 bases into the intron before coding-DNA position 3295, one base deleted (G; older notation c.3295-7delG).
Molecular consequence: intron variant.
Genome position (GRCh38, 1-based): chr16:53,622,363, C deleted on the plus strand (G on the coding strand, the reverse complement: RPGRIP1L is on the minus strand). VCF-style (leftmost placement, unchanged base first): chr16-53622362-TC-T. GRCh37 (hg19) VCF-style: chr16-53656274-TC-T.
Other names: c.3193-3155del (NM_001127897.4); c.3193-7del (NM_001330538.2); c.3295-3155del (NM_001308334.3).
Identifiers: ClinVar variation 2932070 (VCV002932070.3), dbSNP rs1964788291, ClinGen allele CA622262967.
Genomic context (GRCh38, chr16:53,622,362, plus strand): 5'-TGCAGTGAGCTGAGATCGCGCTACTGCACCCCAGCCCGGGAGACAATGCGAGACTCTGTC[TC>T]AAAAAAAAAAAAAAAATCTTAAGATTAAGAAGCACATTAAATGCATAATAGACAACTTCA-3'